The following is an entry in ClinVar:

ClinVar aggregate classification (germline): Conflicting classifications of pathogenicity. Review status: criteria provided, conflicting classifications (1 of 4 stars). 30 submissions from 30 submitters: Pathogenic (16); Likely pathogenic (8); Likely benign (1). 5 of the submissions do not count toward it. Last evaluated 2026-06-17.

Conditions:
CRB1-related maculopathy.
Macular dystrophy. Identifiers: MedGen C0730292, HP:0007754.
autosomal recessive CRB1-related retinopathy.
CRB1-related disorder. Also called: CRB1-related disorders; CRB1-related condition.
Retinal dystrophy. Also called: Inherited retinal dystrophy. Identifiers: Orphanet 71862, MedGen C0854723, MeSH D058499, MONDO:0019118, HP:0000556.
Retinitis pigmentosa 12 (RP12). Also called: RP WITH OR WITHOUT PPRPE; RP WITH OR WITHOUT PRESERVED PARAARTERIOLE RETINAL PIGMENT EPITHELIUM; RETINITIS PIGMENTOSA WITH OR WITHOUT PARAARTERIOLAR PRESERVATION OF RETINAL PIGMENT EPITHELIUM. Identifiers: Orphanet 791, MedGen C1838647, MONDO:0010818, OMIM 600105.
Leber congenital amaurosis 8 (LCA8). Identifiers: Orphanet 65, MedGen C3151202, MONDO:0013453, OMIM 613835.
Pigmented paravenous retinochoroidal atrophy. Identifiers: Orphanet 251295, MedGen C1868310, MONDO:0008246, OMIM 172870.
Leber congenital amaurosis (LCA). Also called: Leber's amaurosis. Identifiers: Orphanet 65, MedGen C0339527, MeSH D057130, MONDO:0018998.
Leber congenital amaurosis 1 (LCA1). Also called: RETINAL BLINDNESS, CONGENITAL; AMAUROSIS CONGENITA OF LEBER I; Congenital absence of the rods and cones; Leber's congenital tapetoretinal degeneration; Leber's congenital tapetoretinal dysplasia. Identifiers: Orphanet 65, MedGen C2931258, MONDO:0008764, OMIM 204000.
Autosomal recessive bestrophinopathy. Also called: Autosomal Recessive Bestrophinopathy (ARB). Identifiers: Orphanet 139455, MedGen C3888198, MONDO:0012733, OMIM 611809.
Retinal disorder. Also called: Retinopathy; Retinal disorders; Retinopathies; Retinal Diseases. Identifiers: MedGen C0035309, MONDO:0005283, HP:0000488.
Cone dystrophy. Identifiers: Orphanet 1871, MedGen C0730290, MONDO:0000455.

Submissions 1 to 12 of 30:

PreventionGenetics, part of Exact Sciences
Classification: Pathogenic for CRB1-related condition. Last evaluated: 2026-06-17. Review status: criteria provided, single submitter. Criteria: ACMG Guidelines, 2015. Collection method: clinical testing. Allele origin: germline.
Comment: The CRB1 c.498_506del9 variant is predicted to result in an in-frame deletion (p.Ile167_Gly169del). This variant has been reported, in the homozygous state or in the heterozygous state along with a second CRB1 variant, in many individuals with retinal disease (see for examples: Corton et al. 2013. PubMed ID: 23379534; Table S1, Birtel et al. 2018. PubMed ID: 29555955; Table S2, Peter et al. 2023. PubMed ID: 36909829; Table S1, Lin et al. 2024. PubMed ID: 38219857). This variant is present in 0.096% of alleles in individuals of Ashkenazi Jewish descent in gnomAD. This variant is interpreted as pathogenic for autosomal recessive disease.

Genetics Laboratory, Great Ormond Street Hospital NHS Foundation Trust, North Thames Genomic Laboratory Hub
Classification: Likely pathogenic for Retinal disorders. Last evaluated: 2026-03-16. Review status: criteria provided, single submitter. Criteria: ACGS Best Practice Guidelines for Variant Classification in Rare Disease 2024 v1.2. Collection method: clinical testing. Allele origin: germline. Affected: yes.
Comment: PM4_moderate, PP1_moderate, PM3_strong

Labcorp Genetics (formerly Invitae), Labcorp
Classification: Pathogenic for Leber congenital amaurosis 8; Retinitis pigmentosa 12. Last evaluated: 2026-01-27. Review status: criteria provided, single submitter. Criteria: Invitae Variant Classification Sherloc (09022015). Collection method: clinical testing. Allele origin: germline.
Comment: This variant, c.498_506del, results in the deletion of 3 amino acid(s) of the CRB1 protein (p.Ile167_Gly169del), but otherwise preserves the integrity of the reading frame. This variant is present in population databases (rs748136623, gnomAD 0.1%), and has an allele count higher than expected for a pathogenic variant. This variant has been observed in individual(s) with retinal dystrophies (PMID: 23379534, 28181551; internal data). In at least one individual the data is consistent with being in trans (on the opposite chromosome) from a pathogenic variant. ClinVar contains an entry for this variant (Variation ID: 96659). For these reasons, this variant has been classified as Pathogenic.

3billion
Classification: Pathogenic for Retinitis pigmentosa 12. Last evaluated: 2026-01-09. Review status: criteria provided, single submitter. Criteria: ACMG Guidelines, 2015. Collection method: clinical testing. Allele origin: germline. Affected: yes.
Comment: The variant is observed at an extremely low frequency in the gnomAD v4.1.0 dataset (total allele frequency: 0.123%). Predicted Consequence/Location: Inframe deletion located in a nonrepeat region: predicted to change the length of the protein and disrupt normal protein function. In silico tool predictions suggest damaging effect of the variant on gene or gene product [3Cnet: 0.79 (damaging >0.75, benign <0.1)]. The variant has been reported to be in trans with a pathogenic variant as either compound heterozygous or homozygous in at least 2 similarly affected unrelated individuals (PMID: 23379534). The variant has been reported at least twice as pathogenic with clinical assertions and evidence for the classification (ClinVar ID: VCV000096659 /3billion dataset). Therefore, this variant is classified as Pathogenic according to the recommendation of ACMG/AMP guideline.

Natera, Inc.
Classification: Pathogenic for Leber congenital amaurosis. Last evaluated: 2025-10-27. Review status: criteria provided, single submitter. Criteria: Natera Variant Classification Schema (03/2026). Collection method: clinical testing. Allele origin: germline.
Comment: The c.498_506delAATTGATGG variant in CRB1 is an in-frame deletion. This variant is rare in the general population with a frequency below the threshold expected for the associated phenotype(s). This variant has been observed in at least one unaffected individual, with a zygosity that is consistent with the inheritance pattern for the associated condition (in gnomAD and/or literature). This variant has been observed in one or more individuals affected with the associated recessive disease, as either homozygous or compound heterozygous with a second variant (PMID: 23379534, 31875109). Additionally, this variant has been observed to segregate in affected family members (PMID: 23379534, 31875109). This variant results in a change to the protein length while preserving reading frame, which may disrupt normal protein structure or function. Computational prediction algorithms indicate this variant is likely to affect gene or protein function. Given the available evidence, this variant is classified as Pathogenic.

Variantyx, Inc.
Classification: Pathogenic for autosomal recessive CRB1-related retinopathy. Last evaluated: 2025-10-09. Review status: criteria provided, single submitter. Criteria: Variantyx Assertion Criteria 2022. Collection method: clinical testing. Allele origin: germline. Inheritance: Autosomal recessive inheritance. Affected: no.
Comment: This is a variant in the CRB1 gene (OMIM: 604210). Pathogenic variants in this gene have been associated with autosomal recessive CRB1-related retinopathy. This variant causes an in-frame deletion of 3 amino acids at position 167-169 of the CRB1 protein (PM4). This alteration has been reported in the homozygous or compound heterozygous state in many unrelated affected individuals (PMID: 23379534, 25474345, 31875109, 33387055, 34783605, 34884448) (PM3_Very_Strong)and observed to segregate with disease in at least 3 individuals from 3 families (PMID: 34884448, 31875109, 33387055) (PP1_Moderate). This variant has a 0.1563% maximum allele frequency in non-founder control populations. Based on the current evidence, this variant is classified as pathogenic for autosomal recessive CRB1-related retinopathy.

Revvity Omics, Revvity
Classification: Pathogenic. Last evaluated: 2025-06-04. Review status: criteria provided, single submitter. Criteria: ACMG Guidelines, 2015. Collection method: clinical testing. Allele origin: germline.

Blueprint Genetics
Classification: Pathogenic for CRB1-related disorders. Last evaluated: 2024-11-07. Review status: criteria provided, single submitter. Criteria: ACMG Guidelines, 2015. Collection method: clinical testing. Allele origin: germline. Affected: yes. Observed: 5 variant alleles.

Fulgent Genetics
Classification: Likely pathogenic for Pigmented paravenous retinochoroidal atrophy; Retinitis pigmentosa 12; Leber congenital amaurosis 8. Last evaluated: 2024-06-17. Review status: criteria provided, single submitter. Criteria: ACMG Guidelines, 2015. Collection method: clinical testing. Allele origin: germline.

Baylor Genetics
Classification: Pathogenic for Leber congenital amaurosis 8. Last evaluated: 2024-03-30. Review status: criteria provided, single submitter. Criteria: ACMG Guidelines, 2015. Collection method: clinical testing. Allele origin: unknown.

Ophthalmic Genetics Group, Institute of Molecular and Clinical Ophthalmology Basel
Classification: Pathogenic for Cone dystrophy. Last evaluated: 2023-07-24. Review status: criteria provided, single submitter. Criteria: ACMG Guidelines, 2015. Collection method: research. Allele origin: germline. Affected: yes. Observed: 1 variant allele.
Comment: Clinical significance based on ACMG v2.0

This variant was classified as Pathogenic based on ACMG criteria: PP5, PM2, PM4, PS4, PM1.

CeGaT Center for Human Genetics Tuebingen
Classification: Pathogenic. Last evaluated: 2022-10-01. Review status: criteria provided, single submitter. Criteria: CeGaT Center For Human Genetics Tuebingen Variant Classification Criteria Version 2. Collection method: clinical testing. Allele origin: germline. Affected: yes. Observed: 5 variant alleles.
Comment: CRB1: PM3:Very Strong, PM2

NM_201253.3(CRB1):c.498_506del (p.Ile167_Gly169del)

Gene: CRB1 (crumbs cell polarity complex component 1; plus strand). Cytogenetic location: 1q31.3.
Variant type: Deletion.
Coding change: c.498_506del on transcript NM_201253.3 (MANE Select); coding-DNA positions 498 to 506, 9 bases deleted (AATTGATGG; older notation c.498_506delAATTGATGG).
Protein change: p.Ile167_Gly169del.
Molecular consequence: inframe deletion. On other transcripts: non-coding transcript variant (2).
Genome position (GRCh38, 1-based): chr1:197,328,849-197,328,857, AATTGATGG deleted; deleting any 9 consecutive bases within chr1:197,328,844-197,328,857 gives the same sequence; the c. name uses the placement nearest the transcript's 3' end. VCF-style (leftmost placement, unchanged base first): chr1-197328843-GGATGGAATT-G. GRCh37 (hg19) VCF-style: chr1-197297973-GGATGGAATT-G.
Other names: NC_000001.10:g.197297979_197297987del; NP_957705.1:p.(Ile167_Gly169del); c.498_506del9 (NM_201253.2); c.498_506delAATTGATGG (NM_201253.2, NM_201253.3); c.498_506del, p.Ile167_Gly169del (NM_001193640.2, NM_001257966.2); c.291_299del, p.Ile98_Gly100del (NM_001257965.2).
Identifiers: ClinVar variation 96659 (VCV000096659.86), dbSNP rs398124615, ClinGen allele CA149649.